The following is an entry in ClinVar:

ClinVar aggregate classification (germline): Uncertain significance (1 of 4 stars; one submission).

Conditions:
Lower motor neuron syndrome with late-adult onset (SMAJ). Also called: Spinal muscular atrophy, Jokela type; Late-Onset Spinal Motor Neuronopathy (SMAJ). Identifiers: Orphanet 276435, MedGen C3554398, MONDO:0014025, OMIM 615048.
Frontotemporal dementia and/or amyotrophic lateral sclerosis 2. Also called: FTDALS2. Identifiers: Orphanet 275872, MedGen C4014648, MONDO:0014395, OMIM 615911.
Autosomal dominant mitochondrial myopathy with exercise intolerance (IMMD). Also called: Myopathy, isolated mitochondrial, autosomal dominant. Identifiers: Orphanet 457050, MedGen C4015513, MONDO:0014532, OMIM 616209.

Allele frequency attached by ClinVar (database versions not stated): ExAC 0.00002.
gnomAD v4.1: 1 of 1,513,504 alleles (0.000066%); highest among the groups gnomAD compares: South Asian, 0.0012%; no homozygotes.

Submission:

Labcorp Genetics (formerly Invitae), Labcorp
Classification: Uncertain significance for Lower motor neuron syndrome with late-adult onset; Frontotemporal dementia and/or amyotrophic lateral sclerosis 2; Autosomal dominant mitochondrial myopathy with exercise intolerance. Last evaluated: 2021-10-23. Review status: criteria provided, single submitter. Criteria: Invitae Variant Classification Sherloc (09022015). Collection method: clinical testing. Allele origin: germline.
Comment: In summary, the available evidence is currently insufficient to determine the role of this variant in disease. Therefore, it has been classified as a Variant of Uncertain Significance. This sequence change replaces arginine with proline at codon 3 of the CHCHD10 protein (p.Arg3Pro). The arginine residue is highly conserved and there is a moderate physicochemical difference between arginine and proline. This variant is present in population databases (rs766426370, ExAC 0.01%). This variant has not been reported in the literature in individuals affected with CHCHD10-related conditions. Algorithms developed to predict the effect of missense changes on protein structure and function are either unavailable or do not agree on the potential impact of this missense change (SIFT: "Deleterious"; PolyPhen-2: "Not Available"; Align-GVGD: "Class C0").

NM_213720.3(CHCHD10):c.8G>C (p.Arg3Pro)

Gene: CHCHD10 (coiled-coil-helix-coiled-coil-helix domain containing 10; minus strand). Cytogenetic location: 22q11.23.
Variant type: single nucleotide variant.
Coding change: c.8G>C on transcript NM_213720.3 (MANE Select); coding-DNA position 8, G replaced by C.
Protein change: p.Arg3Pro; replaces arginine 3 with proline.
Molecular consequence: missense variant. On other transcripts: non-coding transcript variant (2).
Genome position (GRCh38, 1-based): chr22:23,767,867, C>G on the plus strand (G>C on the coding strand, the complement: CHCHD10 is on the minus strand). VCF-style: chr22-23767867-C-G. GRCh37 (hg19) VCF-style: chr22-24110054-C-G.
Other names: c.8G>C, p.Arg3Pro (NM_001301339.2); short protein forms R3P.
Identifiers: ClinVar variation 1003466 (VCV001003466.6), dbSNP rs766426370, ClinGen allele CA10145335.